The following is an entry in ClinVar:

NM_000553.6(WRN):c.1193C>G (p.Thr398Arg)

Gene: WRN (WRN RecQ like helicase; plus strand). Cytogenetic location: 8p12.
Variant type: single nucleotide variant.
Coding change: c.1193C>G on transcript NM_000553.6 (MANE Select); coding-DNA position 1193, C replaced by G.
Protein change: p.Thr398Arg; replaces threonine 398 with arginine.
Molecular consequence: missense variant.
Genome position (GRCh38, 1-based): chr8:31,081,220, C>G. VCF-style: chr8-31081220-C-G. GRCh37 (hg19) VCF-style: chr8-30938736-C-G.
Other names: short protein forms T398R.
Identifiers: ClinVar variation 2722868 (VCV002722868.3), dbSNP rs2130121035, ClinGen allele CA370921195.
Genomic context (GRCh38, chr8:31,081,220, plus strand): 5'-TAGAAGACAACAAATTGAAAGAGAATATGGAAAGAGCTTGTTTGATGTCGTTAGATATTA[C>G]AGAACATGAACTCCAAATTTTGGAACAGCAGTCTCAGGAAGAATATCTTAGTGATATTGC-3'
Protein context (NP_000544.2, residues 388-408): ERACLMSLDI[Thr398Arg]EHELQILEQQ

ClinVar aggregate classification (germline): Uncertain significance (1 of 4 stars; one submission).

Conditions:
Werner syndrome (WRN). Identifiers: Orphanet 902, MedGen C0043119, MONDO:0010196, OMIM 277700.

Submission:

Labcorp Genetics (formerly Invitae), Labcorp
Classification: Uncertain significance for Werner syndrome. Last evaluated: 2023-01-25. Review status: criteria provided, single submitter. Criteria: Invitae Variant Classification Sherloc (09022015). Collection method: clinical testing. Allele origin: germline.
Comment: In summary, the available evidence is currently insufficient to determine the role of this variant in disease. Therefore, it has been classified as a Variant of Uncertain Significance. An algorithm developed to predict the effect of missense changes on protein structure and function (PolyPhen-2) suggests that this variant is likely to be disruptive. This variant has not been reported in the literature in individuals affected with WRN-related conditions. This variant is not present in population databases (gnomAD no frequency). This sequence change replaces threonine, which is neutral and polar, with arginine, which is basic and polar, at codon 398 of the WRN protein (p.Thr398Arg).